The following is an entry in ClinVar:

NM_005422.4(TECTA):c.915C>T (p.Cys305=)

Genes: TBCEL-TECTA (TBCEL-TECTA readthrough; plus strand), TECTA (tectorin alpha; plus strand). Cytogenetic location: 11q23.3.
Variant type: single nucleotide variant.
Coding change: c.915C>T on transcript NM_005422.4 (MANE Select); coding-DNA position 915, C replaced by T.
Protein change: p.Cys305=; no amino-acid change (cysteine 305 retained).
Molecular consequence: synonymous variant.
Genome position (GRCh38, 1-based): chr11:121,118,430, C>T. VCF-style: chr11-121118430-C-T. GRCh37 (hg19) VCF-style: chr11-120989139-C-T.
Other names: c.1872C>T, p.Cys624= (NM_001378761.1).
Identifiers: ClinVar variation 178531 (VCV000178531.32), dbSNP rs367974065, ClinGen allele CA182503.

ClinVar aggregate classification (germline): Conflicting classifications of pathogenicity. Review status: criteria provided, conflicting classifications (1 of 4 stars). 7 submissions from 6 submitters: Uncertain significance (3); Likely benign (4). Last evaluated 2025-11-10.

Conditions:
TECTA-related disorder. Also called: TECTA-related condition.
Autosomal recessive nonsyndromic hearing loss 21. Identifiers: Orphanet 90636, MedGen C1863655, MONDO:0011351, OMIM 603629.
Autosomal dominant nonsyndromic hearing loss 12. Also called: DEAFNESS, AUTOSOMAL DOMINANT 8. Identifiers: Orphanet 90635, MedGen C1832187, MONDO:0011102, OMIM 601543.

Allele frequency attached by ClinVar (database versions not stated): ESP Exome Variant Server 0.00008; TOPMed 0.00008; gnomAD 0.00010 and 0.00011.
gnomAD v4.1: 163 of 1,614,066 alleles (0.01%); highest among the groups gnomAD compares: Non-Finnish European, 0.013%; no homozygotes.

Submissions (7):

PreventionGenetics, part of Exact Sciences
Classification: Likely benign for TECTA-related condition. Last evaluated: 2025-11-10. Review status: criteria provided, single submitter. Criteria: ACMG Guidelines, 2015. Collection method: clinical testing. Allele origin: germline.
Comment: This variant is classified as likely benign based on ACMG/AMP sequence variant interpretation guidelines (Richards et al. 2015 PMID: 25741868, with internal and published modifications).

Labcorp Genetics (formerly Invitae), Labcorp
Classification: Likely benign. Last evaluated: 2025-10-08. Review status: criteria provided, single submitter. Criteria: Invitae Variant Classification Sherloc (09022015). Collection method: clinical testing. Allele origin: germline.

CeGaT Center for Human Genetics Tuebingen
Classification: Likely benign. Last evaluated: 2024-12-01. Review status: criteria provided, single submitter. Criteria: CeGaT Center For Human Genetics Tuebingen Variant Classification Criteria Version 2. Collection method: clinical testing. Allele origin: germline. Affected: yes. Observed: 1 variant allele.
Comment: TECTA: BP4, BP7

GeneDx
Classification: Uncertain significance. Last evaluated: 2021-02-15. Review status: criteria provided, single submitter. Criteria: GeneDx Variant Classification Process June 2021. Collection method: clinical testing. Allele origin: germline. Affected: yes.
Comment: In silico analysis, which includes splice predictors and evolutionary conservation, suggests this variant may impact gene splicing. In the absence of RNA/functional studies, the actual effect of this sequence change is unknown.; Has not been previously published as pathogenic or benign to our knowledge

Illumina Laboratory Services, Illumina
Classification: Uncertain significance for Autosomal recessive nonsyndromic hearing loss 21. Last evaluated: 2018-01-13. Review status: criteria provided, single submitter. Criteria: ICSL Variant Classification Criteria 13 December 2019. Collection method: clinical testing. Allele origin: germline.

Illumina Laboratory Services, Illumina
Classification: Uncertain significance for Autosomal dominant nonsyndromic hearing loss 12. Last evaluated: 2018-01-13. Review status: criteria provided, single submitter. Criteria: ICSL Variant Classification Criteria 13 December 2019. Collection method: clinical testing. Allele origin: germline.

Laboratory for Molecular Medicine, Mass General Brigham Personalized Medicine
Classification: Likely benign. Last evaluated: 2012-04-30. Review status: criteria provided, single submitter. Criteria: LMM Criteria. Collection method: clinical testing. Allele origin: germline. Observed: 2 variant alleles.
Comment: Cys305Cys in Exon 06 of TECTA: This variant is not expected to have clinical sig nificance because it does not alter an amino acid residue, is not located within the splice consensus sequence, and has been identified in 1/7020 European Ameri can chromosomes from a broad population by the NHLBI Exome Sequencing Project.